The following is an entry in ClinVar:

NM_199355.4(ADAMTS18):c.1496A>G (p.Lys499Arg)

Gene: ADAMTS18 (ADAM metallopeptidase with thrombospondin type 1 motif 18; minus strand). Cytogenetic location: 16q23.1.
Variant type: single nucleotide variant.
Coding change: c.1496A>G on transcript NM_199355.4 (MANE Select); coding-DNA position 1496, A replaced by G.
Protein change: p.Lys499Arg; replaces lysine 499 with arginine.
Molecular consequence: missense variant.
Genome position (GRCh38, 1-based): chr16:77,353,851, T>C on the plus strand (A>G on the coding strand, the complement: ADAMTS18 is on the minus strand). VCF-style: chr16-77353851-T-C. GRCh37 (hg19) VCF-style: chr16-77387748-T-C.
Other names: c.1496A>G (NM_199355.3); c.980A>G, p.Lys327Arg (NM_001326358.2); short protein forms K327R, K499R.
Identifiers: ClinVar variation 1094711 (VCV001094711.11), dbSNP rs149505308, ClinGen allele CA8181291.

ClinVar aggregate classification (germline): Likely benign. Review status: criteria provided, multiple submitters, no conflicts (2 of 4 stars). 3 submissions from 3 submitters: Likely benign (3). Last evaluated 2026-09-21.

Conditions:
ADAMTS18-related disorder. Also called: ADAMTS18-related condition.

Allele frequency attached by ClinVar (database versions not stated): gnomAD exomes 0.00008 and 0.00023; 1000 Genomes Project 30x 0.00016; 1000 Genomes Project 0.00020; ExAC 0.00029; gnomAD 0.00078 and 0.00086; TOPMed 0.00086; ESP Exome Variant Server 0.00108.
gnomAD v4.1: 236 of 1,614,186 alleles (0.015%); highest among the groups gnomAD compares: African/African-American, 0.27%; no homozygotes.

Submissions (3):

PreventionGenetics, part of Exact Sciences
Classification: Likely benign for ADAMTS18-related condition. Last evaluated: 2026-09-21. Review status: criteria provided, single submitter. Criteria: ACMG Guidelines, 2015. Collection method: clinical testing. Allele origin: germline.
Comment: This variant is classified as likely benign based on ACMG/AMP sequence variant interpretation guidelines (Richards et al. 2015 PMID: 25741868, with internal and published modifications).

Labcorp Genetics (formerly Invitae), Labcorp
Classification: Likely benign. Last evaluated: 2026-01-28. Review status: criteria provided, single submitter. Criteria: Invitae Variant Classification Sherloc (09022015). Collection method: clinical testing. Allele origin: germline.

Blueprint Genetics
Classification: Likely benign. Last evaluated: 2024-07-18. Review status: criteria provided, single submitter. Criteria: ACMG Guidelines, 2015. Collection method: clinical testing. Allele origin: germline.